The following is an entry in ClinVar:

NM_203475.3(PORCN):c.904G>T (p.Val302Phe)

Gene: PORCN (porcupine O-acyltransferase; plus strand). Cytogenetic location: Xp11.23.
Variant type: single nucleotide variant.
Coding change: c.904G>T on transcript NM_203475.3 (MANE Select); coding-DNA position 904, G replaced by T.
Protein change: p.Val302Phe; replaces valine 302 with phenylalanine.
Molecular consequence: missense variant.
Genome position (GRCh38, 1-based): chrX:48,514,583, G>T. VCF-style: chrX-48514583-G-T. GRCh37 (hg19) VCF-style: chrX-48372971-G-T.
Other names: c.658G>T, p.Val220Phe (NM_001282167.2); c.871G>T, p.Val291Phe (NM_022825.4); c.889G>T, p.Val297Phe (NM_203473.3); c.886G>T, p.Val296Phe (NM_203474.1); short protein forms V220F, V291F, V296F, V297F, V302F.
Identifiers: ClinVar variation 3347712 (VCV003347712.1).
Genomic context (GRCh38, chrX:48,514,583, plus strand): 5'-AGGGACCTGACGGTGTCCAAGCCACTGAATGTGGAGCTGCCTCGGTCAATGGTGGAAGTT[G>T]TCACAAGCTGGAACCTGCCCATGTCTTATTGGCTAAATAACTGTGAGTCACCAAGTCACC-3'
Protein context (NP_982301.1, residues 292-312): VELPRSMVEV[Val302Phe]TSWNLPMSYW

ClinVar aggregate classification (germline): Uncertain significance (0 of 4 stars; one submission).

Conditions:
PORCN-related disorder. Also called: PORCN-related condition.

Submission:

PreventionGenetics, part of Exact Sciences
Classification: Uncertain significance for PORCN-related condition. Last evaluated: 2024-09-13. Review status: no assertion criteria provided. Collection method: clinical testing. Allele origin: germline.
Comment: The PORCN c.904G>T variant is predicted to result in the amino acid substitution p.Val302Phe. To our knowledge, this variant has not been reported in the literature or in a large population database, indicating this variant is rare. At this time, the clinical significance of this variant is uncertain due to the absence of conclusive functional and genetic evidence.